The following is an entry in ClinVar:

ClinVar aggregate classification (germline): Uncertain significance (1 of 4 stars; one submission).

gnomAD v4.1: 5 of 1,614,244 alleles (0.00031%); highest among the groups gnomAD compares: South Asian, 0.0011%; no homozygotes.

Submission:

Labcorp Genetics (formerly Invitae), Labcorp
Classification: Uncertain significance. Last evaluated: 2025-04-10. Review status: criteria provided, single submitter. Criteria: Invitae Variant Classification Sherloc (09022015). Collection method: clinical testing. Allele origin: germline.
Comment: This sequence change replaces methionine, which is neutral and non-polar, with valine, which is neutral and non-polar, at codon 402 of the MAST1 protein (p.Met402Val). This variant is present in population databases (rs781768867, gnomAD 0.003%). This variant has not been reported in the literature in individuals affected with MAST1-related conditions. An algorithm developed to predict the effect of missense changes on protein structure and function (PolyPhen-2) suggests that this variant is likely to be disruptive. In summary, the available evidence is currently insufficient to determine the role of this variant in disease. Therefore, it has been classified as a Variant of Uncertain Significance.

NM_014975.3(MAST1):c.1204A>G (p.Met402Val)

Gene: MAST1 (microtubule associated serine/threonine kinase 1; plus strand). Cytogenetic location: 19p13.13.
Variant type: single nucleotide variant.
Coding change: c.1204A>G on transcript NM_014975.3 (MANE Select); coding-DNA position 1204, A replaced by G.
Protein change: p.Met402Val; replaces methionine 402 with valine.
Molecular consequence: missense variant.
Genome position (GRCh38, 1-based): chr19:12,858,577, A>G. VCF-style: chr19-12858577-A-G. GRCh37 (hg19) VCF-style: chr19-12969391-A-G.
Other names: short protein forms M402V.
Identifiers: ClinVar variation 4749879 (VCV004749879.1).